The following is an entry in ClinVar:

NM_004525.3(LRP2):c.6614T>G (p.Phe2205Cys)

Gene: LRP2 (LDL receptor related protein 2; minus strand). Cytogenetic location: 2q31.1.
Variant type: single nucleotide variant.
Coding change: c.6614T>G on transcript NM_004525.3 (MANE Select); coding-DNA position 6614, T replaced by G.
Protein change: p.Phe2205Cys; replaces phenylalanine 2205 with cysteine.
Molecular consequence: missense variant.
Genome position (GRCh38, 1-based): chr2:169,207,106, A>C on the plus strand (T>G on the coding strand, the complement: LRP2 is on the minus strand). VCF-style: chr2-169207106-A-C. GRCh37 (hg19) VCF-style: chr2-170063616-A-C.
Other names: short protein forms F2205C.
Identifiers: ClinVar variation 1716290 (VCV001716290.5), dbSNP rs2545810801, ClinGen allele CA349173272.

ClinVar aggregate classification (germline): Uncertain significance (1 of 4 stars; one submission).

Submission:

Labcorp Genetics (formerly Invitae), Labcorp
Classification: Uncertain significance. Last evaluated: 2022-11-07. Review status: criteria provided, single submitter. Criteria: Invitae Variant Classification Sherloc (09022015). Collection method: clinical testing. Allele origin: germline.
Comment: In summary, the available evidence is currently insufficient to determine the role of this variant in disease. Therefore, it has been classified as a Variant of Uncertain Significance. Advanced modeling of protein sequence and biophysical properties (such as structural, functional, and spatial information, amino acid conservation, physicochemical variation, residue mobility, and thermodynamic stability) performed at Invitae indicates that this missense variant is expected to disrupt LRP2 protein function. This variant has not been reported in the literature in individuals affected with LRP2-related conditions. This variant is not present in population databases (gnomAD no frequency). This sequence change replaces phenylalanine, which is neutral and non-polar, with cysteine, which is neutral and slightly polar, at codon 2205 of the LRP2 protein (p.Phe2205Cys).